The following is an entry in ClinVar:

ClinVar aggregate classification (germline): Likely pathogenic (1 of 4 stars; one submission).

Conditions:
Charcot-Marie-Tooth disease axonal type 2S. Also called: CHARCOT-MARIE-TOOTH DISEASE, AXONAL, AUTOSOMAL RECESSIVE, TYPE 2S; CHARCOT-MARIE-TOOTH NEUROPATHY, TYPE 2S. Identifiers: Orphanet 443073, MedGen C4015349, MONDO:0014511, OMIM 616155.
Autosomal recessive distal spinal muscular atrophy 1. Also called: HMN VI; NEURONOPATHY, SEVERE INFANTILE AXONAL, WITH RESPIRATORY FAILURE; SEVERE INFANTILE AXONAL NEUROPATHY WITH RESPIRATORY FAILURE; SPINAL MUSCULAR ATROPHY, DIAPHRAGMATIC; Spinal muscular atrophy with respiratory distress 1; NEURONOPATHY, DISTAL HEREDITARY MOTOR, HARDING TYPE VI. Identifiers: Orphanet 98920, MedGen C1858517, MONDO:0011436, OMIM 604320.

Submission:

Labcorp Genetics (formerly Invitae), Labcorp
Classification: Likely pathogenic for Autosomal recessive distal spinal muscular atrophy 1; Charcot-Marie-Tooth disease axonal type 2S. Last evaluated: 2023-08-07. Review status: criteria provided, single submitter. Criteria: Invitae Variant Classification Sherloc (09022015). Collection method: clinical testing. Allele origin: germline.
Comment: In summary, the currently available evidence indicates that the variant is pathogenic, but additional data are needed to prove that conclusively. Therefore, this variant has been classified as Likely Pathogenic. This variant disrupts the p.His213 amino acid residue in IGHMBP2. Other variant(s) that disrupt this residue have been determined to be pathogenic (PMID: 11528396). This suggests that this residue is clinically significant, and that variants that disrupt this residue are likely to be disease-causing. Advanced modeling of protein sequence and biophysical properties (such as structural, functional, and spatial information, amino acid conservation, physicochemical variation, residue mobility, and thermodynamic stability) performed at Invitae indicates that this missense variant is expected to disrupt IGHMBP2 protein function. This variant has not been reported in the literature in individuals affected with IGHMBP2-related conditions. This variant is not present in population databases (gnomAD no frequency). This sequence change replaces histidine, which is basic and polar, with proline, which is neutral and non-polar, at codon 213 of the IGHMBP2 protein (p.His213Pro).

Literature cited by the submitters: PubMed 11528396.

NM_002180.3(IGHMBP2):c.638A>C (p.His213Pro)

Gene: IGHMBP2 (immunoglobulin mu DNA binding protein 2; plus strand). Cytogenetic location: 11q13.3.
Variant type: single nucleotide variant.
Coding change: c.638A>C on transcript NM_002180.3 (MANE Select); coding-DNA position 638, A replaced by C.
Protein change: p.His213Pro; replaces histidine 213 with proline.
Molecular consequence: missense variant.
Genome position (GRCh38, 1-based): chr11:68,911,530, A>C. VCF-style: chr11-68911530-A-C. GRCh37 (hg19) VCF-style: chr11-68678998-A-C.
Other names: short protein forms H213P.
Identifiers: ClinVar variation 2950766 (VCV002950766.3), dbSNP rs137852666, ClinGen allele CA381643873.
Genomic context (GRCh38, chr11:68,911,530, plus strand): 5'-ACACCTCCCAGAAAGAAGCGGTTTTATTTGCGCTGTCTCAGAAAGAACTTGCCATCATCC[A>C]TGGACCTCCTGGCACTGGGAAAACCACGACTGTGGTTGAGATCATTCTTCAAGCTGTGAA-3'
Protein context (NP_002171.2, residues 203-223): ALSQKELAII[His213Pro]GPPGTGKTTT